The following is an entry in ClinVar:

ClinVar aggregate classification (germline): Uncertain significance (1 of 4 stars; one submission).

Allele frequency attached by ClinVar (database versions not stated): ExAC 0.00005; gnomAD exomes 0.00001.
gnomAD v4.1: 3 of 1,579,818 alleles (0.00019%); highest among the groups gnomAD compares: East Asian, 0.0023%; no homozygotes.

Submission:

Labcorp Genetics (formerly Invitae), Labcorp
Classification: Uncertain significance. Last evaluated: 2024-02-17. Review status: criteria provided, single submitter. Criteria: Invitae Variant Classification Sherloc (09022015). Collection method: clinical testing. Allele origin: germline.
Comment: This sequence change replaces alanine, which is neutral and non-polar, with threonine, which is neutral and polar, at codon 446 of the TYMP protein (p.Ala446Thr). This variant is present in population databases (rs751544721, gnomAD 0.003%). This variant has not been reported in the literature in individuals affected with TYMP-related conditions. ClinVar contains an entry for this variant (Variation ID: 1381231). Advanced modeling of protein sequence and biophysical properties (such as structural, functional, and spatial information, amino acid conservation, physicochemical variation, residue mobility, and thermodynamic stability) performed at Invitae indicates that this missense variant is not expected to disrupt TYMP protein function with a negative predictive value of 95%. In summary, the available evidence is currently insufficient to determine the role of this variant in disease. Therefore, it has been classified as a Variant of Uncertain Significance.

NM_001953.5(TYMP):c.1336G>A (p.Ala446Thr)

Genes: SCO2 (synthesis of cytochrome C oxidase 2; minus strand), TYMP (thymidine phosphorylase; minus strand), LOC130067862 (ATAC-STARR-seq lymphoblastoid silent region 13986; plus strand). Cytogenetic location: 22q13.33.
Variant type: single nucleotide variant.
Coding change: c.1336G>A on transcript NM_001953.5 (MANE Select); coding-DNA position 1336, G replaced by A.
Protein change: p.Ala446Thr; replaces alanine 446 with threonine.
Molecular consequence: missense variant. On other transcripts: intron variant (2).
Genome position (GRCh38, 1-based): chr22:50,525,883, C>T on the plus strand (G>A on the coding strand, the complement: TYMP is on the minus strand). VCF-style: chr22-50525883-C-T. GRCh37 (hg19) VCF-style: chr22-50964312-C-T.
Other names: c.-14+363G>A (NM_001169109.2); c.-14+118G>A (NM_001169110.1); c.1336G>A, p.Ala446Thr (NM_001113755.3, NM_001113756.3, NM_001257988.1); c.1351G>A, p.Ala451Thr (NM_001257989.1); short protein forms A446T, A451T.
Identifiers: ClinVar variation 1381231 (VCV001381231.6), dbSNP rs751544721, ClinGen allele CA10321424.